The following is an entry in ClinVar:

ClinVar aggregate classification (germline): Benign. Review status: criteria provided, multiple submitters, no conflicts (2 of 4 stars). 8 submissions from 8 submitters: Benign (6). 2 of the submissions do not count toward it. Last evaluated 2026-02-04.

Conditions:
Autosomal recessive nonsyndromic hearing loss 61. Identifiers: Orphanet 90636, MedGen C3151230, MONDO:0013471, OMIM 613865.

Allele frequency attached by ClinVar (database versions not stated): gnomAD exomes 0.25531 and 0.30524; ExAC 0.31500; gnomAD 0.38523 and 0.38939; TOPMed 0.39367; ESP Exome Variant Server 0.39874; 1000 Genomes Project 0.44269; 1000 Genomes Project 30x 0.45081.
gnomAD v4.1: 405,192 of 1,507,310 alleles (27%); highest among the groups gnomAD compares: African/African-American, 73%; 65,021 homozygotes.

Submissions (8):

Labcorp Genetics (formerly Invitae), Labcorp
Classification: Benign. Last evaluated: 2026-02-04. Review status: criteria provided, single submitter. Criteria: Invitae Variant Classification Sherloc (09022015). Collection method: clinical testing. Allele origin: germline.

Genome-Nilou Lab
Classification: Benign for Autosomal recessive nonsyndromic hearing loss 61. Last evaluated: 2021-07-15. Review status: criteria provided, single submitter. Criteria: ACMG Guidelines, 2015. Collection method: clinical testing. Allele origin: germline. Affected: no.

GeneDx
Classification: Benign. Last evaluated: 2018-06-24. Review status: criteria provided, single submitter. Criteria: GeneDx Variant Classification Process June 2021. Collection method: clinical testing. Allele origin: germline. Affected: yes.

Laboratory for Molecular Medicine, Mass General Brigham Personalized Medicine
Classification: Benign. Last evaluated: 2012-05-07. Review status: criteria provided, single submitter. Criteria: LMM Criteria. Collection method: clinical testing. Allele origin: germline. Observed: 110 variant alleles.
Comment: 403+14T>C in Intron 05 of SLC26A5: This variant is not expected to have clinical significance because it is not located within the conserved splice consensus se quence and has been identified in 29.3% (1096/3738) of African American chromoso mes from a broad population by the NHLBI Exome Sequencing Project (.; dbSNP rs7779997).

Breakthrough Genomics
Classification: Benign. Review status: criteria provided, single submitter. Criteria: ACMG Guidelines, 2015. Collection method: not provided. Allele origin: germline. Inheritance: Autosomal recessive inheritance. Affected: yes.

PreventionGenetics, part of Exact Sciences
Classification: Benign. Review status: criteria provided, single submitter. Criteria: ACMG Guidelines, 2015. Collection method: clinical testing. Allele origin: germline.

Diagnostic Laboratory, Department of Genetics, University Medical Center Groningen
Classification: Benign. Review status: no assertion criteria provided. Collection method: clinical testing. Allele origin: germline. Affected: yes. Study: VKGL Data-share Consensus. Not counted in ClinVar's aggregate classification.

Joint Genome Diagnostic Labs from Nijmegen and Maastricht, Radboudumc and MUMC+
Classification: Benign. Review status: no assertion criteria provided. Collection method: clinical testing. Allele origin: germline. Affected: yes. Study: VKGL Data-share Consensus. Not counted in ClinVar's aggregate classification.

NM_198999.3(SLC26A5):c.403+14T>C

Gene: SLC26A5 (solute carrier family 26 member 5; minus strand). Cytogenetic location: 7q22.1.
Variant type: single nucleotide variant.
Coding change: c.403+14T>C on transcript NM_198999.3 (MANE Select); 14 bases into the intron after coding-DNA position 403, T replaced by C.
Molecular consequence: intron variant.
Genome position (GRCh38, 1-based): chr7:103,412,988, A>G on the plus strand (T>C on the coding strand, the complement: SLC26A5 is on the minus strand). VCF-style: chr7-103412988-A-G. GRCh37 (hg19) VCF-style: chr7-103053435-A-G.
Other names: c.403+14T>C (NM_206885.3, NM_001321787.2, NM_206884.3 and 2 more transcripts).
Identifiers: ClinVar variation 48339 (VCV000048339.24), dbSNP rs7779997, ClinGen allele CA143208.